The following is an entry in ClinVar:

NM_032119.4(ADGRV1):c.11758-9T>A

Gene: ADGRV1 (adhesion G protein-coupled receptor V1; plus strand). Cytogenetic location: 5q14.3.
Variant type: single nucleotide variant.
Coding change: c.11758-9T>A on transcript NM_032119.4 (MANE Select); 9 bases into the intron before coding-DNA position 11758, T replaced by A.
Molecular consequence: intron variant.
Genome position (GRCh38, 1-based): chr5:90,756,970, T>A. VCF-style: chr5-90756970-T-A. GRCh37 (hg19) VCF-style: chr5-90052787-T-A.
Other names: c.11758-9T>A (NM_032119.3).
Identifiers: ClinVar variation 1561372 (VCV001561372.9), dbSNP rs749499081, ClinGen allele CA3341050.

ClinVar aggregate classification (germline): Likely benign. Review status: criteria provided, multiple submitters, no conflicts (2 of 4 stars). 2 submissions from 2 submitters: Likely benign (2). Last evaluated 2025-10-07.

Conditions:
ADGRV1-related disorder. Also called: ADGRV1-related condition; ADGRV1-related disorders.

Allele frequency attached by ClinVar (database versions not stated): gnomAD exomes 0.00003 and 0.00001; ExAC 0.00002.
gnomAD v4.1: 8 of 1,569,392 alleles (0.00051%); highest among the groups gnomAD compares: Admixed American, 0.016%; no homozygotes.

Submissions (2):

Labcorp Genetics (formerly Invitae), Labcorp
Classification: Likely benign. Last evaluated: 2025-10-07. Review status: criteria provided, single submitter. Criteria: Invitae Variant Classification Sherloc (09022015). Collection method: clinical testing. Allele origin: germline.

PreventionGenetics, part of Exact Sciences
Classification: Likely benign for ADGRV1-related condition. Last evaluated: 2025-06-02. Review status: criteria provided, single submitter. Criteria: ACMG Guidelines, 2015. Collection method: clinical testing. Allele origin: germline.
Comment: This variant is classified as likely benign based on ACMG/AMP sequence variant interpretation guidelines (Richards et al. 2015 PMID: 25741868, with internal and published modifications).